The following is an entry in ClinVar:

ClinVar aggregate classification (germline): Pathogenic. Review status: criteria provided, multiple submitters, no conflicts (2 of 4 stars). 3 submissions from 3 submitters: Pathogenic (2). 1 of the submissions does not count toward it. Last evaluated 2019-09-23.

Conditions:
Breast-ovarian cancer, familial, susceptibility to, 2 (BROVCA2). Also called: BRCA2 Hereditary Breast and Ovarian Cancer. Identifiers: Orphanet 145, MedGen C2675520, MONDO:0012933, OMIM 612555. Disease mechanism: loss of function.
Hereditary cancer-predisposing syndrome. Also called: Tumor predisposition; Hereditary neoplastic syndrome; Neoplastic Syndromes, Hereditary; Hereditary Cancer Syndrome. Identifiers: Orphanet 140162, MedGen C0027672, MeSH D009386, MONDO:0015356.

Submissions (3):

Color Diagnostics, LLC DBA Color Health
Classification: Pathogenic for Hereditary cancer-predisposing syndrome. Last evaluated: 2019-09-23. Review status: criteria provided, single submitter. Criteria: ACMG Guidelines, 2015. Collection method: clinical testing. Allele origin: germline.
Comment: This variant deletes 1 nucleotide in exon 11 of the BRCA2 gene, creating a frameshift and premature translation stop signal. This variant is expected to result in an absent or non-functional protein product. Splice site prediction tools suggest that this variant may not impact RNA splicing. To our knowledge, functional studies have not been performed for this variant. This variant has not been reported in individuals affected with hereditary cancer in the literature. This variant has not been identified in the general population by the Genome Aggregation Database (gnomAD). Loss of BRCA2 function is a known mechanism of disease. Based on the available evidence, this variant is classified as Pathogenic.

Clinical Genetics and Genomics, Karolinska University Hospital
Classification: Pathogenic. Last evaluated: 2015-10-02. Review status: criteria provided, single submitter. Criteria: ACMG Guidelines, 2015. Collection method: clinical testing. Allele origin: germline. Affected: yes. Observed: 1 variant allele.

BRCAlab, Lund University
Classification: Pathogenic for Breast-ovarian cancer, familial, susceptibility to, 2. Last evaluated: 2022-08-26. Review status: no assertion criteria provided. Collection method: clinical testing. Allele origin: germline. Affected: yes. Not counted in ClinVar's aggregate classification.

NM_000059.4(BRCA2):c.5425del (p.Cys1809fs)

Gene: BRCA2 (BRCA2 DNA repair associated; plus strand). Cytogenetic location: 13q13.1.
Variant type: Deletion.
Coding change: c.5425del on transcript NM_000059.4 (MANE Select); coding-DNA position 5425, one base deleted (T; older notation c.5425delT).
Protein change: p.Cys1809fs; shifts the reading frame from cysteine 1809.
Molecular consequence: frameshift variant.
Genome position (GRCh38, 1-based): chr13:32,339,780, T deleted; the last of 3 consecutive T bases (chr13:32,339,778-32,339,780); deleting any one gives the same sequence. VCF-style (leftmost placement, unchanged base first): chr13-32339777-AT-A. GRCh37 (hg19) VCF-style: chr13-32913914-AT-A.
Other names: short protein forms C1809fs.
Identifiers: ClinVar variation 927224 (VCV000927224.25), dbSNP rs2072529051, ClinGen allele CA1139663220.